The following is an entry in ClinVar:

NM_033427.3(CTTNBP2):c.4448-7_4448-6dup

Gene: CTTNBP2 (cortactin binding protein 2; minus strand). Cytogenetic location: 7q31.31.
Variant type: Duplication.
Coding change: c.4448-7_4448-6dup on transcript NM_033427.3 (MANE Select); 7 bases into the intron before coding-DNA position 4448 through 6 bases into the intron before coding-DNA position 4448, 2 bases duplicated (TT; older notation c.4448-7_4448-6dupTT).
Molecular consequence: intron variant.
Genome position (GRCh38, 1-based): chr7:117,721,136-117,721,137, AA duplicated on the plus strand (TT on the coding strand, the reverse complement: CTTNBP2 is on the minus strand); duplicating any 2 consecutive bases within chr7:117,721,136-117,721,141 gives the same sequence; the c. name uses the placement nearest the transcript's 3' end. VCF-style (leftmost placement, unchanged base first): chr7-117721135-T-TAA. GRCh37 (hg19) VCF-style: chr7-117361189-T-TAA.
Other names: c.2351-7_2351-6dup (NM_001363351.1, NM_001363350.1); c.4394-7_4394-6dup (NM_001363349.1).
Identifiers: ClinVar variation 3046391 (VCV003046391.2), dbSNP rs764589410, ClinGen allele CA4451891.

ClinVar aggregate classification (germline): Likely benign (0 of 4 stars; one submission).

Conditions:
CTTNBP2-related disorder. Also called: CTTNBP2-related condition.

Submission:

PreventionGenetics, part of Exact Sciences
Classification: Likely benign for CTTNBP2-related condition. Last evaluated: 2019-04-25. Review status: no assertion criteria provided. Collection method: clinical testing. Allele origin: germline.
Comment: This variant is classified as likely benign based on ACMG/AMP sequence variant interpretation guidelines (Richards et al. 2015 PMID: 25741868, with internal and published modifications).